The following is an entry in ClinVar:

ClinVar aggregate classification (germline): Uncertain significance (1 of 4 stars; one submission).

Conditions:
Epileptic encephalopathy. Identifiers: MedGen C0543888, HP:0200134.

Submission:

Labcorp Genetics (formerly Invitae), Labcorp
Classification: Uncertain significance for Epileptic encephalopathy. Last evaluated: 2025-11-23. Review status: criteria provided, single submitter. Criteria: Invitae Variant Classification Sherloc (09022015). Collection method: clinical testing. Allele origin: germline.
Comment: This sequence change affects codon 864 of the FASN mRNA. It is a 'silent' change, meaning that it does not change the encoded amino acid sequence of the FASN protein. It affects a nucleotide within the consensus splice site. This variant is present in population databases (rs757754186, gnomAD 0.02%). This variant has not been reported in the literature in individuals affected with FASN-related conditions. Algorithms developed to predict the effect of sequence changes on RNA splicing suggest that this variant is not likely to affect RNA splicing. In summary, the available evidence is currently insufficient to determine the role of this variant in disease. Therefore, it has been classified as a Variant of Uncertain Significance.

NM_004104.5(FASN):c.2592C>T (p.Ile864=)

Gene: FASN (fatty acid synthase; minus strand). Cytogenetic location: 17q25.3.
Variant type: single nucleotide variant.
Coding change: c.2592C>T on transcript NM_004104.5 (MANE Select); coding-DNA position 2592, C replaced by T.
Protein change: p.Ile864=; no amino-acid change (isoleucine 864 retained).
Molecular consequence: synonymous variant.
Genome position (GRCh38, 1-based): chr17:82,088,391, G>A on the plus strand (C>T on the coding strand, the complement: FASN is on the minus strand). VCF-style: chr17-82088391-G-A. GRCh37 (hg19) VCF-style: chr17-80046267-G-A.
Identifiers: ClinVar variation 4731563 (VCV004731563.1).